The following is an entry in ClinVar:

NM_203314.3(BDH1):c.414G>A (p.Met138Ile)

Gene: BDH1 (3-hydroxybutyrate dehydrogenase 1). Cytogenetic location: 3q29.
Variant type: single nucleotide variant.
Coding change: c.414G>A on transcript NM_203314.3 (MANE Select); coding-DNA position 414, G replaced by A.
Protein change: p.Met138Ile; replaces methionine 138 with isoleucine.
Molecular consequence: missense variant.
Genome position (GRCh38, 1-based): chr3:197,514,412, C>T on the plus strand (G>A on the coding strand, the complement: BDH1 is on the minus strand). VCF-style: chr3-197514412-C-T. GRCh37 (hg19) VCF-style: chr3-197241283-C-T.
Other names: c.414G>A, p.Met138Ile (NM_004051.5, NM_203315.3); short protein forms M138I.
Identifiers: ClinVar variation 720182 (VCV000720182.5), dbSNP rs78687894, ClinGen allele CA2786161.
Genomic context (GRCh38, chr3:197,514,412, plus strand): 5'-CAGGCTGGTGAACTCCACCTCCCCGAACGTTGAGATGCCGGCATTGTTAACGAGGCCCCA[C>T]ATGCCTGGACAGGAGAGGGATAGATGTGCATTTACCACATGGGCTTGGCCCAGACATTGC-3'
Protein context (NP_976059.1, residues 128-148): RSSLKDPEKG[Met138Ile]WGLVNNAGIS

ClinVar aggregate classification (germline): Benign. Review status: criteria provided, single submitter (1 of 4 stars). 2 submissions from 2 submitters: Benign (1). 1 of the submissions does not count toward it. Last evaluated 2018-08-15.

Conditions:
BDH1-related disorder. Also called: BDH1-related condition.

Allele frequency attached by ClinVar (database versions not stated): gnomAD 0.00217; TOPMed 0.00269; 1000 Genomes Project 0.00300; ESP Exome Variant Server 0.00300; 1000 Genomes Project 30x 0.00375.

Submissions (2):

Labcorp Genetics (formerly Invitae), Labcorp
Classification: Benign. Last evaluated: 2018-08-15. Review status: criteria provided, single submitter. Criteria: Invitae Variant Classification Sherloc (09022015). Collection method: clinical testing. Allele origin: germline.

PreventionGenetics, part of Exact Sciences
Classification: Benign for BDH1-related condition. Last evaluated: 2020-01-20. Review status: no assertion criteria provided. Collection method: clinical testing. Allele origin: germline. Not counted in ClinVar's aggregate classification.
Comment: This variant is classified as benign based on ACMG/AMP sequence variant interpretation guidelines (Richards et al. 2015 PMID: 25741868, with internal and published modifications).